The following is an entry in ClinVar:

NM_001370100.5(ZMYND11):c.1781A>G (p.His594Arg)

Gene: ZMYND11 (zinc finger MYND-type containing 11; plus strand). Cytogenetic location: 10p15.3.
Variant type: single nucleotide variant.
Coding change: c.1781A>G on transcript NM_001370100.5 (MANE Select); coding-DNA position 1781, A replaced by G.
Protein change: p.His594Arg; replaces histidine 594 with arginine.
Molecular consequence: missense variant. On other transcripts: non-coding transcript variant (1).
Genome position (GRCh38, 1-based): chr10:252,442, A>G. VCF-style: chr10-252442-A-G. GRCh37 (hg19) VCF-style: chr10-298382-A-G.
Other names: c.1424A>G, p.His475Arg (NM_001370123.2); c.1310A>G, p.His437Arg (NM_001370124.3); c.1781A>G, p.His594Arg (NM_006624.7, NM_001370097.3, NM_001370098.2 and 4 more transcripts); c.1619A>G, p.His540Arg (NM_001370109.2, NM_001370103.2, NM_001370104.2 and 5 more transcripts); c.1526A>G, p.His509Arg (NM_001370110.2, NM_001202465.3); c.1616A>G, p.His539Arg (NM_001370111.2, NM_001202466.3); c.1730A>G, p.His577Arg (NM_001370112.2, NM_001330057.3); c.1688A>G, p.His563Arg (NM_001370113.2, NM_001370114.2); and 8 more; short protein forms H437R, H475R, H492R, H500R, H509R, H518R, H539R, H540R.
Identifiers: ClinVar variation 2444083 (VCV002444083.1), dbSNP rs2540122624, ClinGen allele CA375824640.

ClinVar aggregate classification (germline): Uncertain significance (1 of 4 stars; one submission).

Conditions:
Intellectual developmental disorder, autosomal dominant 30, with speech delay and behavioral abnormalities. Also called: Intellectual disability, autosomal dominant 30. Identifiers: Orphanet 436151, MedGen C4015167, MONDO:0014486, OMIM 616083.

Submission:

3billion
Classification: Uncertain significance for Intellectual developmental disorder, autosomal dominant 30, with speech delay and behavioral abnormalities. Last evaluated: 2023-02-23. Review status: criteria provided, single submitter. Criteria: ACMG Guidelines, 2015. Collection method: clinical testing. Allele origin: unknown. Affected: yes.
Comment: The variant is not observed in the gnomAD v2.1.1 dataset. Missense changes are a common disease-causing mechanism. In silico tool predictions suggest damaging effect of the variant on gene or gene product (REVEL: 0.67; 3Cnet: 0.92). Therefore, this variant is classified as VUS according to the recommendation of ACMG/AMP guideline.